The following is an entry in ClinVar:

NM_001127198.5(TMC6):c.2130G>A (p.Trp710Ter)

Gene: TMC6 (transmembrane channel like 6; minus strand). Cytogenetic location: 17q25.3.
Variant type: single nucleotide variant.
Coding change: c.2130G>A on transcript NM_001127198.5 (MANE Select); coding-DNA position 2130, G replaced by A.
Protein change: p.Trp710Ter; replaces tryptophan 710 with a stop codon.
Molecular consequence: nonsense. On other transcripts: non-coding transcript variant (4).
Genome position (GRCh38, 1-based): chr17:78,117,536, C>T on the plus strand (G>A on the coding strand, the complement: TMC6 is on the minus strand). VCF-style: chr17-78117536-C-T. GRCh37 (hg19) VCF-style: chr17-76113617-C-T.
Other names: c.2130G>A, p.Trp710Ter (NM_001321185.1, NM_001374596.1, NM_001375353.1 and 2 more transcripts); c.1950G>A, p.Trp650Ter (NM_001374593.1, NM_001374594.1); short protein forms W710*, W650*.
Identifiers: ClinVar variation 4745192 (VCV004745192.1).
Genomic context (GRCh38, chr17:78,117,536, plus strand): 5'-GGCTGACACCAGGAAGACAAAGAAGGTGTTTTCCATCAGGTACCGGTGCACCCAGGGCAG[C>T]CAGGAGACCCTGGGGCCTGCCGCCTCCAGGTGGCGCACCCACACCCTGCCGGCCTCGTAC-3'

ClinVar aggregate classification (germline): Pathogenic (1 of 4 stars; one submission).

Conditions:
Epidermodysplasia verruciformis. Identifiers: Orphanet 302, MedGen C0014522, MONDO:0009176.

Submission:

Labcorp Genetics (formerly Invitae), Labcorp
Classification: Pathogenic for Epidermodysplasia verruciformis. Last evaluated: 2025-12-24. Review status: criteria provided, single submitter. Criteria: Invitae Variant Classification Sherloc (09022015). Collection method: clinical testing. Allele origin: germline.
Comment: This sequence change creates a premature translational stop signal (p.Trp710*) in the TMC6 gene. It is expected to result in an absent or disrupted protein product. Loss-of-function variants in TMC6 are known to be pathogenic (PMID: 15042430, 17139267). This variant is present in population databases (no rsID available, gnomAD 0.007%). This variant has not been reported in the literature in individuals affected with TMC6-related conditions. For these reasons, this variant has been classified as Pathogenic.

Literature cited by the submitters: PubMed 15042430; PubMed 17139267.